The following is an entry in ClinVar:

ClinVar aggregate classification (germline): Likely benign. Review status: criteria provided, multiple submitters, no conflicts (2 of 4 stars). 7 submissions from 7 submitters: Likely benign (7). Last evaluated 2026-04-06.

Conditions:
Ehlers-Danlos syndrome, type 4 (EDSVASC). Also called: Ehlers-Danlos Syndrome Type IV; Ehlers-Danlos syndrome vascular type; Ehlers Danlos syndrome, ecchymotic type; Ehlers Danlos syndrome, arterial type; Ehlers Danlos syndrome, Sack-Barabas type. Identifiers: Orphanet 286, MedGen C0268338, MONDO:0017314, OMIM 130050.
Familial thoracic aortic aneurysm and aortic dissection (TAAD). Also called: Thoracic aortic aneurysms and dissections. Identifiers: Orphanet 91387, MedGen C4707243, MONDO:0019625.

Allele frequency attached by ClinVar (database versions not stated): TOPMed 0.00002.
gnomAD v4.1: 52 of 1,614,144 alleles (0.0032%); highest among the groups gnomAD compares: East Asian, 0.02%; no homozygotes.

Submissions (7):

Women's Health and Genetics/Laboratory Corporation of America, LabCorp
Classification: Likely benign. Last evaluated: 2026-04-06. Review status: criteria provided, single submitter. Criteria: LabCorp Variant Classification Summary - May 2015. Collection method: clinical testing. Allele origin: germline.

CeGaT Center for Human Genetics Tuebingen
Classification: Likely benign. Last evaluated: 2026-04-01. Review status: criteria provided, single submitter. Criteria: CeGaT Center For Human Genetics Tuebingen Variant Classification Criteria Version 2. Collection method: clinical testing. Allele origin: germline. Affected: yes. Observed: 3 variant alleles.
Comment: COL3A1: BP4, BP7

Labcorp Genetics (formerly Invitae), Labcorp
Classification: Likely benign for Ehlers-Danlos syndrome, type 4. Last evaluated: 2025-08-16. Review status: criteria provided, single submitter. Criteria: Invitae Variant Classification Sherloc (09022015). Collection method: clinical testing. Allele origin: germline.

Ambry Genetics
Classification: Likely benign for Familial thoracic aortic aneurysm and aortic dissection. Last evaluated: 2024-12-08. Review status: criteria provided, single submitter. Criteria: Ambry Variant Classification Scheme 2023. Collection method: clinical testing. Allele origin: germline.

All of Us Research Program, National Institutes of Health
Classification: Likely benign for Ehlers-Danlos syndrome, type 4. Last evaluated: 2023-10-27. Review status: criteria provided, single submitter. Criteria: ACMG Guidelines, 2015. Collection method: clinical testing. Allele origin: germline. Inheritance: Autosomal dominant inheritance. Observed: 6 variant alleles, 6 heterozygotes.
Comment: This study involves interpretation of variants in research participants for the purpose of population health screening. Participant phenotype was not available at the time of variant classification. Additional details can be found in publication PMID: 35346344, PMCID: PMC8962531

Color Diagnostics, LLC DBA Color Health
Classification: Likely benign for Familial thoracic aortic aneurysm and aortic dissection. Last evaluated: 2018-11-27. Review status: criteria provided, single submitter. Criteria: ACMG Guidelines, 2015. Collection method: clinical testing. Allele origin: germline.

GeneDx
Classification: Likely benign. Last evaluated: 2016-08-29. Review status: criteria provided, single submitter. Criteria: GeneDx Variant Classification (06012015). Collection method: clinical testing. Allele origin: germline. Affected: yes.
Comment: This variant is considered likely benign or benign based on one or more of the following criteria: it is a conservative change, it occurs at a poorly conserved position in the protein, it is predicted to be benign by multiple in silico algorithms, and/or has population frequency not consistent with disease.

NM_000090.4(COL3A1):c.3654G>A (p.Pro1218=)

Gene: COL3A1 (collagen type III alpha 1 chain; plus strand). Cytogenetic location: 2q32.2.
Variant type: single nucleotide variant.
Coding change: c.3654G>A on transcript NM_000090.4 (MANE Select); coding-DNA position 3654, G replaced by A.
Protein change: p.Pro1218=; no amino-acid change (proline 1218 retained).
Molecular consequence: synonymous variant.
Genome position (GRCh38, 1-based): chr2:189,009,052, G>A. VCF-style: chr2-189009052-G-A. GRCh37 (hg19) VCF-style: chr2-189873778-G-A.
Identifiers: ClinVar variation 388961 (VCV000388961.39), dbSNP rs35759441, ClinGen allele CA076230.